The following is an entry in ClinVar:

ClinVar aggregate classification (germline): Benign. Review status: criteria provided, multiple submitters, no conflicts (2 of 4 stars). 2 submissions from 2 submitters: Benign (2). Last evaluated 2018-06-16.

Allele frequency attached by ClinVar (database versions not stated): gnomAD exomes 0.01002; gnomAD 0.09373 and 0.10047; 1000 Genomes Project 0.09854; 1000 Genomes Project 30x 0.10156; TOPMed 0.10767.
gnomAD v4.1: 19,457 of 965,674 alleles (2%); highest among the groups gnomAD compares: African/African-American, 33%; 2,246 homozygotes.

Submissions (2):

GeneDx
Classification: Benign. Last evaluated: 2018-06-16. Review status: criteria provided, single submitter. Criteria: GeneDx Variant Classification (06012015). Collection method: clinical testing. Allele origin: germline. Affected: yes.
Comment: This variant is considered likely benign or benign based on one or more of the following criteria: it is a conservative change, it occurs at a poorly conserved position in the protein, it is predicted to be benign by multiple in silico algorithms, and/or has population frequency not consistent with disease.

Breakthrough Genomics
Classification: Benign. Review status: criteria provided, single submitter. Criteria: ACMG Guidelines, 2015. Collection method: not provided. Allele origin: germline. Inheritance: X-linked inheritance. Affected: yes.

NM_001110556.2(FLNA):c.1429+83C>T

Gene: FLNA (filamin A; minus strand). Cytogenetic location: Xq28.
Variant type: single nucleotide variant.
Coding change: c.1429+83C>T on transcript NM_001110556.2 (MANE Select); 83 bases into the intron after coding-DNA position 1429, C replaced by T.
Molecular consequence: intron variant.
Genome position (GRCh38, 1-based): chrX:154,365,941, G>A on the plus strand (C>T on the coding strand, the complement: FLNA is on the minus strand). VCF-style: chrX-154365941-G-A. GRCh37 (hg19) VCF-style: chrX-153594309-G-A.
Other names: c.1429+83C>T (NM_001456.4).
Identifiers: ClinVar variation 675546 (VCV000675546.2), dbSNP rs12013188, ClinGen allele CA337283466.